The following is an entry in ClinVar:

ClinVar aggregate classification (germline): Uncertain significance (1 of 4 stars; one submission).

Submission:

Labcorp Genetics (formerly Invitae), Labcorp
Classification: Uncertain significance. Last evaluated: 2022-06-14. Review status: criteria provided, single submitter. Criteria: Invitae Variant Classification Sherloc (09022015). Collection method: clinical testing. Allele origin: germline.
Comment: In summary, the available evidence is currently insufficient to determine the role of this variant in disease. Therefore, it has been classified as a Variant of Uncertain Significance. Algorithms developed to predict the effect of missense changes on protein structure and function (SIFT, PolyPhen-2, Align-GVGD) all suggest that this variant is likely to be tolerated. ClinVar contains an entry for this variant (Variation ID: 1037700). This variant has not been reported in the literature in individuals affected with ADGRA3-related conditions. This variant is not present in population databases (gnomAD no frequency). This sequence change replaces arginine, which is basic and polar, with leucine, which is neutral and non-polar, at codon 140 of the ADGRA3 protein (p.Arg140Leu).

NM_145290.4(ADGRA3):c.419G>T (p.Arg140Leu)

Gene: ADGRA3 (adhesion G protein-coupled receptor A3; minus strand). Cytogenetic location: 4p15.2.
Variant type: single nucleotide variant.
Coding change: c.419G>T on transcript NM_145290.4 (MANE Select); coding-DNA position 419, G replaced by T.
Protein change: p.Arg140Leu; replaces arginine 140 with leucine.
Molecular consequence: missense variant.
Genome position (GRCh38, 1-based): chr4:22,454,920, C>A on the plus strand (G>T on the coding strand, the complement: ADGRA3 is on the minus strand). VCF-style: chr4-22454920-C-A. GRCh37 (hg19) VCF-style: chr4-22456543-C-A.
Other names: short protein forms R140L.
Identifiers: ClinVar variation 1037700 (VCV001037700.10), dbSNP rs1165791849, ClinGen allele CA356480051.